The following is an entry in ClinVar:

NM_001082486.2(ACD):c.1201G>A (p.Val401Ile)

Gene: ACD (ACD shelterin complex subunit and telomerase recruitment factor; minus strand). Cytogenetic location: 16q22.1.
Variant type: single nucleotide variant.
Coding change: c.1201G>A on transcript NM_001082486.2 (MANE Select); coding-DNA position 1201, G replaced by A.
Protein change: p.Val401Ile; replaces valine 401 with isoleucine.
Molecular consequence: missense variant.
Genome position (GRCh38, 1-based): chr16:67,657,991, C>T on the plus strand (G>A on the coding strand, the complement: ACD is on the minus strand). VCF-style: chr16-67657991-C-T. GRCh37 (hg19) VCF-style: chr16-67691894-C-T.
Other names: p.Val401Ile; c.1114G>A, p.Val372Ile (NM_001410884.1); c.1192G>A, p.Val398Ile (NM_022914.3); short protein forms V372I, V398I, V401I.
Identifiers: ClinVar variation 1773106 (VCV001773106.7), dbSNP rs771802167, ClinGen allele CA8114419.

ClinVar aggregate classification (germline): Uncertain significance. Review status: criteria provided, multiple submitters, no conflicts (2 of 4 stars). 3 submissions from 3 submitters: Uncertain significance (3). Last evaluated 2024-11-27.

Conditions:
Dyskeratosis congenita, autosomal dominant 6 (DKCA6). Identifiers: Orphanet 3322, MedGen C4225284, MONDO:0014690, OMIM 616553.
Inborn genetic diseases. Identifiers: MedGen C0950123, MeSH D030342.

Allele frequency attached by ClinVar (database versions not stated): ExAC 0.00002; gnomAD exomes 0.00002; gnomAD 0.00003.
gnomAD v4.1: 30 of 1,561,970 alleles (0.0019%); highest among the groups gnomAD compares: African/African-American, 0.0041%; no homozygotes.

Submissions (3):

Labcorp Genetics (formerly Invitae), Labcorp
Classification: Uncertain significance for Dyskeratosis congenita, autosomal dominant 6. Last evaluated: 2024-11-27. Review status: criteria provided, single submitter. Criteria: Invitae Variant Classification Sherloc (09022015). Collection method: clinical testing. Allele origin: germline.
Comment: This sequence change replaces valine, which is neutral and non-polar, with isoleucine, which is neutral and non-polar, at codon 487 of the ACD protein (p.Val487Ile). This variant is present in population databases (rs771802167, gnomAD 0.007%). This variant has not been reported in the literature in individuals affected with ACD-related conditions. ClinVar contains an entry for this variant (Variation ID: 1773106). Invitae Evidence Modeling of protein sequence and biophysical properties (such as structural, functional, and spatial information, amino acid conservation, physicochemical variation, residue mobility, and thermodynamic stability) indicates that this missense variant is not expected to disrupt ACD protein function with a negative predictive value of 80%. In summary, the available evidence is currently insufficient to determine the role of this variant in disease. Therefore, it has been classified as a Variant of Uncertain Significance.

Ambry Genetics
Classification: Uncertain significance for Inborn genetic diseases. Last evaluated: 2024-05-15. Review status: criteria provided, single submitter. Criteria: Ambry Variant Classification Scheme 2023. Collection method: clinical testing. Allele origin: germline.

Mayo Clinic Laboratories, Mayo Clinic
Classification: Uncertain significance. Last evaluated: 2024-02-26. Review status: criteria provided, single submitter. Criteria: ACMG Guidelines, 2015. Collection method: clinical testing. Allele origin: germline. Observed: 1 variant allele.
Comment: BP4